The following is an entry in ClinVar:

NM_000179.3(MSH6):c.3556+1G>T

Gene: MSH6 (mutS homolog 6; plus strand). Cytogenetic location: 2p16.3.
Variant type: single nucleotide variant.
Coding change: c.3556+1G>T on transcript NM_000179.3 (MANE Select); the canonical splice donor site of the intron after coding-DNA position 3556, G replaced by T.
Molecular consequence: splice donor variant.
Genome position (GRCh38, 1-based): chr2:47,805,028, G>T. VCF-style: chr2-47805028-G-T. GRCh37 (hg19) VCF-style: chr2-48032167-G-T.
Other names: c.3031+1G>T (NM_001406806.1, NM_001406807.1, NM_001406799.1); c.2650+1G>T (NM_001406815.1, NM_001406829.1, NM_001406823.1 and 6 more transcripts); c.3259+1G>T (NM_001406818.1, NM_001406821.1, NM_001406828.1 and 10 more transcripts); c.3388+1G>T (NM_001406826.1); c.403+1G>T (NM_001406832.1); c.337+1G>T (NM_001406831.1); c.3556+1G>T (NM_001406809.1, NM_001406796.1, NM_001406808.1 and 1 more transcripts); c.3652+1G>T (NM_001406795.1, NM_001406802.1); and 7 more.
Identifiers: ClinVar variation 646634 (VCV000646634.35), dbSNP rs1060502926, ClinGen allele CA346760281.

ClinVar aggregate classification (germline): Pathogenic/Likely pathogenic. Review status: criteria provided, multiple submitters, no conflicts (2 of 4 stars). 7 submissions from 7 submitters: Pathogenic (4); Likely pathogenic (1). 2 of the submissions do not count toward it. Last evaluated 2025-08-28.

Conditions:
Lynch syndrome. Identifiers: Orphanet 144, MedGen C4552100, MONDO:0005835. Disease mechanism: loss of function.
Lynch syndrome 5 (LYNCH5). Also called: Colorectal cancer, hereditary nonpolyposis, type 5; Hereditary non-polyposis colorectal cancer, type 5. Identifiers: Orphanet 144, MedGen C1833477, MONDO:0013710, OMIM 614350. Disease mechanism: loss of function.
Hereditary nonpolyposis colorectal neoplasms. Identifiers: MedGen C0009405, MeSH D003123.
Hereditary cancer-predisposing syndrome. Also called: Neoplastic Syndromes, Hereditary; Tumor predisposition; Hereditary Cancer Syndrome; Hereditary neoplastic syndrome. Identifiers: Orphanet 140162, MedGen C0027672, MeSH D009386, MONDO:0015356.
MSH6-related disorder. Also called: MSH6-related condition; MSH6-Related disorders.
Gastric cancer. Also called: Malignant tumor of stomach; Stomach cancer. Identifiers: MedGen C0024623, MeSH D013274, MONDO:0001056, OMIM 613659, HP:0012126.

Submissions (7):

Ambry Genetics
Classification: Pathogenic for Hereditary cancer-predisposing syndrome. Last evaluated: 2025-08-28. Review status: criteria provided, single submitter. Criteria: Ambry Variant Classification Scheme 2023. Collection method: clinical testing. Allele origin: germline.
Comment: The c.3556+1G>T intronic pathogenic mutation results from a G to T substitution one nucleotide after coding exon 6 of the MSH6 gene. This variant has been identified in a proband(s) whose Lynch syndrome-associated tumor demonstrated loss of MSH6 expression by immunohistochemistry (Li S et al. J. Med. Genet. 2020 Jan;57:62-69; Ambry internal data). Other variant(s) impacting the same donor site (c.3556+1G>A) have been identified in individual(s) with features consistent with MSH6-related Lynch syndrome (Ambry internal data). This variant is considered to be rare based on population cohorts in the Genome Aggregation Database (gnomAD). This nucleotide position is highly conserved in available vertebrate species. In silico splice site analysis predicts that this alteration will weaken the native splice donor site. Alterations that disrupt the canonical splice site are expected to cause aberrant splicing, resulting in an abnormal protein or a transcript that is subject to nonsense-mediated mRNA decay. As such, this alteration is classified as a disease-causing mutation.

Labcorp Genetics (formerly Invitae), Labcorp
Classification: Pathogenic for Hereditary nonpolyposis colorectal neoplasms. Last evaluated: 2025-05-28. Review status: criteria provided, single submitter. Criteria: Invitae Variant Classification Sherloc (09022015). Collection method: clinical testing. Allele origin: germline.
Comment: This sequence change affects a donor splice site in intron 6 of the MSH6 gene. RNA analysis indicates that disruption of this splice site induces altered splicing and may result in an absent or altered protein product. This variant is not present in population databases (gnomAD no frequency). Disruption of this splice site has been observed in individuals with Lynch syndrome (PMID: 26436112; internal data). ClinVar contains an entry for this variant (Variation ID: 646634). Studies have shown that disruption of this splice site results in skipping of exon 6, and produces a non-functional protein and/or introduces a premature termination codon (PMID: 26436112; internal data). For these reasons, this variant has been classified as Pathogenic.

GeneDx
Classification: Pathogenic. Last evaluated: 2024-05-28. Review status: criteria provided, single submitter. Criteria: GeneDx Variant Classification Process June 2021. Collection method: clinical testing. Allele origin: germline. Affected: yes.
Comment: Canonical splice site variant demonstrated to result in a null allele in a gene for which loss of function is a known mechanism of disease (PMID: 26436112); Not observed at significant frequency in large population cohorts (gnomAD); This variant is associated with the following publications: (PMID: 26436112, 32980694, 33309985)

Myriad Genetics, Inc.
Classification: Likely pathogenic for Lynch syndrome 5. Last evaluated: 2023-08-24. Review status: criteria provided, single submitter. Criteria: Myriad Autosomal Dominant, Autosomal Recessive and X-Linked Classification Criteria (2023). Collection method: clinical testing. Allele origin: unknown.
Comment: This variant is considered likely pathogenic. This variant occurs within a consensus splice junction and is predicted to result in abnormal mRNA splicing of either an out-of-frame exon or an in-frame exon necessary for protein stability and/or normal function.

Laboratory for Molecular Medicine, Mass General Brigham Personalized Medicine
Classification: Pathogenic for Lynch syndrome. Last evaluated: 2017-12-05. Review status: criteria provided, single submitter. Criteria: LMM Criteria. Collection method: clinical testing. Allele origin: germline. Inheritance: Autosomal dominant inheritance. Observed: 1 variant allele.
Comment: The c.3556+1G>T variant in MSH6 has been reported in 1 individual with MSH6-asso ciated cancers (Hirotsu 2015) and was absent from large population studies. The c.3556+1G>T variant occurs in the invariant region (+/- 1,2) of the splice conse nsus sequence and is predicted to cause altered splicing leading to an abnormal or absent protein. In vitro functional studies provide some evidence that this v ariant causes nonsense mediated decay of MSH6 mRNA and microsatellite instabilit y in tumor sample (Hirotsu 2015). Heterozygous loss of function of the MSH6 gene is an established disease mechanism in Lynch syndrome. In addition, this varian t was classified as pathogenic on Aug 10, 2016 by the ClinGen-approved InSiGHT e xpert panel (ClinVar SCV000551216.1). In summary, this variant meets criteria to be classified as pathogenic for Lynch syndrome in an autosomal dominant manner. ACMG/AMP Criteria applied: PVS1; PM2; PS3_Moderate, PS4_Supporting.

PreventionGenetics, part of Exact Sciences
Classification: Pathogenic for MSH6-related condition. Last evaluated: 2024-06-29. Review status: no assertion criteria provided. Collection method: clinical testing. Allele origin: germline. Not counted in ClinVar's aggregate classification.
Comment: The MSH6 c.3556+1G>T variant is predicted to disrupt the GT donor site and interfere with normal splicing. This variant has been reported in an individual with Lynch syndrome (reported as IVS6+1G>T in Hirotsu et al 2015. PubMed ID: 26436112). In the paper of Hirotsu et al 2015, mRNA expression level of MSH6 was significantly reduced in patient's compared with controls while (microsatellite instability) MSI analysis and immunohistochemistry staining showed tumors had high MSI and lacked MSH6 protein expression. This variant has not been reported in a large population database, indicating this variant is rare. This variant is interpreted as pathogenic or likely pathogenic in ClinVar. Variants that disrupt the consensus splice donor site in MSH6 are expected to be pathogenic. This variant is interpreted as pathogenic.

Laboratory for Genotyping Development, RIKEN
Classification: Pathogenic for Gastric cancer. Last evaluated: 2021-07-01. Review status: no assertion criteria provided. Collection method: research. Allele origin: germline. Not counted in ClinVar's aggregate classification.

Literature cited by the submitters: PubMed 26436112 (cited by 3 submitters); PubMed 36988593 (cited by Laboratory for Genotyping Development, RIKEN).